The following is an entry in ClinVar:

NM_017947.4(MOCOS):c.2164+2T>C

Gene: MOCOS (molybdenum cofactor sulfurase; plus strand). Cytogenetic location: 18q12.2.
Variant type: single nucleotide variant.
Coding change: c.2164+2T>C on transcript NM_017947.4 (MANE Select); the canonical splice donor site of the intron after coding-DNA position 2164, T replaced by C.
Molecular consequence: splice donor variant.
Genome position (GRCh38, 1-based): chr18:36,251,285, T>C. VCF-style: chr18-36251285-T-C. GRCh37 (hg19) VCF-style: chr18-33831248-T-C.
Identifiers: ClinVar variation 1179050 (VCV001179050.7), dbSNP rs1164875023, ClinGen allele CA402226353.

ClinVar aggregate classification (germline): Likely pathogenic. Review status: criteria provided, multiple submitters, no conflicts (2 of 4 stars). 2 submissions from 2 submitters: Likely pathogenic (2). Last evaluated 2023-10-05.

Conditions:
Xanthinuria type II. Also called: Xanthine dehydrogenase and aldehyde oxidase combined deficiency of; XDH and AOX dual deficiency. Identifiers: Orphanet 3467, Orphanet 93602, MedGen C1863688, MONDO:0011346, OMIM 603592.

Allele frequency attached by ClinVar (database versions not stated): TOPMed below 0.00001; gnomAD exomes 0.00001 and 0.00002.
gnomAD v4.1: 3 of 1,613,976 alleles (0.00019%); highest among the groups gnomAD compares: Admixed American, 0.005%; no homozygotes.

Submissions (2):

Labcorp Genetics (formerly Invitae), Labcorp
Classification: Likely pathogenic for Xanthinuria type II. Last evaluated: 2023-10-05. Review status: criteria provided, single submitter. Criteria: Invitae Variant Classification Sherloc (09022015). Collection method: clinical testing. Allele origin: germline.
Comment: This sequence change affects a donor splice site in intron 11 of the MOCOS gene. It is expected to disrupt RNA splicing. Variants that disrupt the donor or acceptor splice site typically lead to a loss of protein function (PMID: 16199547), and loss-of-function variants in MOCOS are known to be pathogenic (PMID: 11302742, 17368066). This variant is present in population databases (no rsID available, gnomAD 0.009%). This variant has not been reported in the literature in individuals affected with MOCOS-related conditions. ClinVar contains an entry for this variant (Variation ID: 1179050). Algorithms developed to predict the effect of sequence changes on RNA splicing suggest that this variant may disrupt the consensus splice site. In summary, the currently available evidence indicates that the variant is pathogenic, but additional data are needed to prove that conclusively. Therefore, this variant has been classified as Likely Pathogenic.

Fulgent Genetics
Classification: Likely pathogenic for Xanthinuria type II. Last evaluated: 2021-06-30. Review status: criteria provided, single submitter. Criteria: ACMG Guidelines, 2015. Collection method: clinical testing. Allele origin: unknown.
Comment: This variant has been detected in individual(s) who were sent for testing of Renasight - kidney gene panel.

Literature cited by the submitters: PubMed 16199547 (cited by Labcorp Genetics (formerly Invitae), Labcorp); PubMed 11302742 (cited by Labcorp Genetics (formerly Invitae), Labcorp); PubMed 17368066 (cited by Labcorp Genetics (formerly Invitae), Labcorp).